The following is an entry in ClinVar:

ClinVar aggregate classification (germline): Pathogenic (1 of 4 stars; one submission).

Conditions:
Carnitine palmitoyltransferase II deficiency. Also called: Carnitine Palmitoyltransferase 2 Deficiency. Identifiers: Orphanet 157, MedGen C0342790, MONDO:0015515.

Submission:

Labcorp Genetics (formerly Invitae), Labcorp
Classification: Pathogenic for Carnitine palmitoyltransferase II deficiency. Last evaluated: 2023-07-16. Review status: criteria provided, single submitter. Criteria: Invitae Variant Classification Sherloc (09022015). Collection method: clinical testing. Allele origin: germline.
Comment: For these reasons, this variant has been classified as Pathogenic. ClinVar contains an entry for this variant (Variation ID: 1072348). This variant has not been reported in the literature in individuals affected with CPT2-related conditions. This variant is not present in population databases (gnomAD no frequency). This sequence change creates a premature translational stop signal (p.Pro55Glnfs*3) in the CPT2 gene. It is expected to result in an absent or disrupted protein product. Loss-of-function variants in CPT2 are known to be pathogenic (PMID: 16781677, 16996287).

Literature cited by the submitters: PubMed 16781677; PubMed 16996287.

NM_000098.3(CPT2):c.164_165del (p.Pro55fs)

Gene: CPT2 (carnitine palmitoyltransferase 2; plus strand). Cytogenetic location: 1p32.3.
Variant type: Deletion.
Coding change: c.164_165del on transcript NM_000098.3 (MANE Select); coding-DNA positions 164 to 165, 2 bases deleted (CC; older notation c.164_165delCC).
Protein change: p.Pro55fs; shifts the reading frame from proline 55.
Molecular consequence: frameshift variant.
Genome position (GRCh38, 1-based): chr1:53,200,730-53,200,731, CC deleted; deleting any 2 consecutive bases within chr1:53,200,729-53,200,731 gives the same sequence; the c. name uses the placement nearest the transcript's 3' end. VCF-style (leftmost placement, unchanged base first): chr1-53200728-TCC-T. GRCh37 (hg19) VCF-style: chr1-53666400-TCC-T.
Other names: c.164_165del, p.Pro55fs (NM_001330589.2); short protein forms P55fs.
Identifiers: ClinVar variation 1072348 (VCV001072348.7), dbSNP rs2100259785, ClinGen allele CA2499214807.